The following is an entry in ClinVar:

NM_001165963.4(SCN1A):c.4852+1G>T

Genes: SCN1A (sodium voltage-gated channel alpha subunit 1; minus strand), LOC102724058 (uncharacterized LOC102724058; plus strand). Cytogenetic location: 2q24.3.
Variant type: single nucleotide variant.
Coding change: c.4852+1G>T on transcript NM_001165963.4 (MANE Select); the canonical splice donor site of the intron after coding-DNA position 4852, G replaced by T.
Molecular consequence: splice donor variant.
Genome position (GRCh38, 1-based): chr2:165,994,145, C>A on the plus strand (G>T on the coding strand, the complement: SCN1A is on the minus strand). VCF-style: chr2-165994145-C-A. GRCh37 (hg19) VCF-style: chr2-166850655-C-A.
Other names: c.4819+1G>T (NM_001353949.2, NM_001353950.2, NM_001353951.2 and 2 more transcripts); c.4768+1G>T (NM_001353958.2, NM_001353957.2, NM_001165964.3); c.4852+1G>T (NM_001202435.3, NM_001353948.2); c.4816+1G>T (NM_001353955.2, NM_001353954.2); c.4765+1G>T (NM_001353960.2); c.2410+1G>T (NM_001353961.2).
Identifiers: ClinVar variation 653218 (VCV000653218.12), dbSNP rs1573962555, ClinGen allele CA349071210.
Genomic context (GRCh38, chr2:165,994,145, plus strand): 5'-CTTGATTGTTTCAGCTTTCACTTTTATTTAACTGAATTTAAGAACTTTAAATATTTCTTA[C>A]CTACAATGGAGAGAATGACAACCACAAAATCAAAAATATTCCATCCAATGGTAAAATAAT-3'

ClinVar aggregate classification (germline): Pathogenic (1 of 4 stars; one submission).

Conditions:
Early-infantile DEE. Also called: Early infantile epileptic encephalopathy with suppression bursts; Early infantile epileptic encephalopathy; Ohtahara syndrome. Identifiers: Orphanet 1934, MedGen C0393706, MONDO:0800491.

Submission:

Labcorp Genetics (formerly Invitae), Labcorp
Classification: Pathogenic for Early-infantile DEE. Last evaluated: 2020-02-22. Review status: criteria provided, single submitter. Criteria: Invitae Variant Classification Sherloc (09022015). Collection method: clinical testing. Allele origin: germline.
Comment: For these reasons, this variant has been classified as Pathogenic. This sequence change affects a donor splice site in the last intron (intron 25) of the SCN1A gene. While this is not anticipated to result in nonsense mediated decay, it likely alters RNA splicing and results in a disrupted protein product. This variant is not present in population databases (ExAC no frequency). This variant has been observed in individual(s) with clinical features of generalized epilepsy with febrile seizures plus (GEFS+) and/or Dravet syndrome (PMID: 28202706, 21248271, Invitae). In at least one individual the variant was observed to be de novo. ClinVar contains an entry for this variant (Variation ID: 653218). Nucleotide substitutions within the consensus splice site are a relatively common cause of aberrant splicing (PMID: 17576681, 9536098). Algorithms developed to predict the effect of sequence changes on RNA splicing suggest that this variant may disrupt the consensus splice site, but this prediction has not been confirmed by published transcriptional studies.

Literature cited by the submitters: PubMed 28202706; PubMed 21248271; PubMed 17576681; PubMed 9536098.